The following is an entry in ClinVar:

ClinVar aggregate classification (germline): Likely benign. Review status: criteria provided, multiple submitters, no conflicts (2 of 4 stars). 4 submissions from 4 submitters: Likely benign (4). Last evaluated 2025-11-26.

Conditions:
Cardiomyopathy (CMYO). Also called: Cardiomyopathies. Identifiers: Orphanet 167848, MedGen C0878544, MONDO:0004994, HP:0001638. Inheritance: Various modes of inheritance.
Arrhythmogenic right ventricular dysplasia 11. Also called: Arrhythmogenic Right Ventricular Dysplasia/Cardiomyopathy11; ARRHYTHMOGENIC RIGHT VENTRICULAR DYSPLASIA, FAMILIAL, 11; Arrhythmogenic right ventricular dysplasia 11 with mild palmoplantar keratoderma and woolly hair. Identifiers: MedGen C1864850, MONDO:0012506, OMIM 610476.
Cardiovascular phenotype. Identifiers: MedGen CN230736.
Familial isolated arrhythmogenic right ventricular dysplasia. Identifiers: Orphanet 217656, MedGen C4274968, MONDO:0016342.

Allele frequency attached by ClinVar (database versions not stated): gnomAD exomes 0.00001 and 0.00002; gnomAD 0.00001; TOPMed 0.00002; ExAC 0.00002.
gnomAD v4.1: 26 of 1,613,854 alleles (0.0016%); highest among the groups gnomAD compares: African/African-American, 0.0027%; no homozygotes.

Submissions (4):

Ambry Genetics
Classification: Likely benign for Cardiovascular phenotype. Last evaluated: 2025-11-26. Review status: criteria provided, single submitter. Criteria: Ambry Variant Classification Scheme 2023. Collection method: clinical testing. Allele origin: germline.

Labcorp Genetics (formerly Invitae), Labcorp
Classification: Likely benign for Arrhythmogenic right ventricular dysplasia 11. Last evaluated: 2025-07-23. Review status: criteria provided, single submitter. Criteria: Invitae Variant Classification Sherloc (09022015). Collection method: clinical testing. Allele origin: germline.

All of Us Research Program, National Institutes of Health
Classification: Likely benign for Familial isolated arrhythmogenic right ventricular dysplasia. Last evaluated: 2023-12-01. Review status: criteria provided, single submitter. Criteria: ACMG Guidelines, 2015. Collection method: clinical testing. Allele origin: germline. Inheritance: Autosomal dominant inheritance. Observed: 2 variant alleles, 2 heterozygotes.
Comment: This study involves interpretation of variants in research participants for the purpose of population health screening. Participant phenotype was not available at the time of variant classification. Additional details can be found in publication PMID: 35346344, PMCID: PMC8962531

Color Diagnostics, LLC DBA Color Health
Classification: Likely benign for Cardiomyopathy. Last evaluated: 2022-11-06. Review status: criteria provided, single submitter. Criteria: ACMG Guidelines, 2015. Collection method: clinical testing. Allele origin: germline.

NM_024422.6(DSC2):c.1990T>C (p.Leu664=)

Gene: DSC2 (desmocollin 2; minus strand). Cytogenetic location: 18q12.1.
Variant type: single nucleotide variant.
Coding change: c.1990T>C on transcript NM_024422.6 (MANE Select); coding-DNA position 1990, T replaced by C.
Protein change: p.Leu664=; no amino-acid change (leucine 664 retained).
Molecular consequence: synonymous variant.
Genome position (GRCh38, 1-based): chr18:31,071,740, A>G on the plus strand (T>C on the coding strand, the complement: DSC2 is on the minus strand). VCF-style: chr18-31071740-A-G. GRCh37 (hg19) VCF-style: chr18-28651706-A-G.
Other names: c.1990T>C, p.Leu664= (NM_004949.5); c.1990T>C (NM_024422.3).
Identifiers: ClinVar variation 747444 (VCV000747444.13), dbSNP rs747173696, ClinGen allele CA034198.